The following is an entry in ClinVar:

NM_014844.5(TECPR2):c.1534del (p.Leu512fs)

Gene: TECPR2 (tectonin beta-propeller repeat containing 2; plus strand). Cytogenetic location: 14q32.31.
Variant type: Deletion.
Coding change: c.1534del on transcript NM_014844.5 (MANE Select); coding-DNA position 1534, one base deleted (C; older notation c.1534delC).
Protein change: p.Leu512fs; shifts the reading frame from leucine 512.
Molecular consequence: frameshift variant.
Genome position (GRCh38, 1-based): chr14:102,434,351, C deleted; the last of 2 consecutive C bases (chr14:102,434,350-102,434,351); deleting either gives the same sequence. VCF-style (leftmost placement, unchanged base first): chr14-102434349-TC-T. GRCh37 (hg19) VCF-style: chr14-102900686-TC-T.
Other names: c.1534del, p.Leu512fs (NM_001172631.3); short protein forms L512fs.
Identifiers: ClinVar variation 2747145 (VCV002747145.3), dbSNP rs2504423788, ClinGen allele CA2626648732.

ClinVar aggregate classification (germline): Pathogenic (1 of 4 stars; one submission).

Conditions:
Hereditary spastic paraplegia 49 (HSAN9). Also called: TECPR2-Related Hereditary Sensory and Autonomic Neuropathy with Intellectual Disability; NEUROPATHY, HEREDITARY SENSORY AND AUTONOMIC, TYPE IX, WITH DEVELOPMENTAL DELAY; Spastic paraplegia 49, autosomal recessive. Identifiers: Orphanet 320385, MedGen C5190860, MONDO:0014016, OMIM 615031.

Submission:

Labcorp Genetics (formerly Invitae), Labcorp
Classification: Pathogenic for Hereditary spastic paraplegia 49. Last evaluated: 2023-07-28. Review status: criteria provided, single submitter. Criteria: Invitae Variant Classification Sherloc (09022015). Collection method: clinical testing. Allele origin: germline.
Comment: This variant has not been reported in the literature in individuals affected with TECPR2-related conditions. This variant is not present in population databases (gnomAD no frequency). This sequence change creates a premature translational stop signal (p.Leu512Trpfs*8) in the TECPR2 gene. It is expected to result in an absent or disrupted protein product. Loss-of-function variants in TECPR2 are known to be pathogenic (PMID: 23176824, 25590979). For these reasons, this variant has been classified as Pathogenic.

Literature cited by the submitters: PubMed 23176824; PubMed 25590979.